The following is an entry in ClinVar:

NM_001267550.2(TTN):c.26574_26581dup (p.Thr8861fs)

Gene: TTN (titin; minus strand). Cytogenetic location: 2q31.2.
Variant type: Duplication.
Coding change: c.26574_26581dup on transcript NM_001267550.2 (MANE Select); coding-DNA positions 26574 to 26581, 8 bases duplicated (ACTCAGTA; older notation c.26574_26581dupACTCAGTA).
Protein change: p.Thr8861fs; shifts the reading frame from threonine 8861.
Molecular consequence: frameshift variant. On other transcripts: intron variant (3).
Genome position (GRCh38, 1-based): chr2:178,714,077-178,714,084, TACTGAGT duplicated on the plus strand (ACTCAGTA on the coding strand, the reverse complement: TTN is on the minus strand); duplicating any 8 consecutive bases within chr2:178,714,077-178,714,085 gives the same sequence; the c. name uses the placement nearest the transcript's 3' end. VCF-style (leftmost placement, unchanged base first): chr2-178714076-G-GTACTGAGT. GRCh37 (hg19) VCF-style: chr2-179578803-G-GTACTGAGT.
Other names: c.25623_25630dup, p.Thr8544fs (NM_001256850.1); c.22842_22849dup, p.Thr7617fs (NM_133378.4); c.13282+23998_13282+24005dup (NM_003319.4); c.13858+23998_13858+24005dup (NM_133437.4); c.13657+23998_13657+24005dup (NM_133432.3); short protein forms T7617fs, T8544fs, T8861fs.
Identifiers: ClinVar variation 1018442 (VCV001018442.9), dbSNP rs2077097661, ClinGen allele CA1310590563.

ClinVar aggregate classification (germline): Likely pathogenic (1 of 4 stars; one submission).

Conditions:
Dilated cardiomyopathy 1G (CMD1G). Identifiers: Orphanet 154, MedGen C1858763, MONDO:0011400, OMIM 604145.
Autosomal recessive limb-girdle muscular dystrophy type 2J (LGMDR10). Also called: Limb-girdle muscular dystrophy, type 2J; MUSCULAR DYSTROPHY, LIMB-GIRDLE, AUTOSOMAL RECESSIVE 10. Identifiers: Orphanet 140922, MedGen C1837342, MONDO:0012127, OMIM 608807.

Submission:

Labcorp Genetics (formerly Invitae), Labcorp
Classification: Likely pathogenic for Dilated cardiomyopathy 1G; Autosomal recessive limb-girdle muscular dystrophy type 2J. Last evaluated: 2024-10-18. Review status: criteria provided, single submitter. Criteria: Invitae Variant Classification Sherloc (09022015). Collection method: clinical testing. Allele origin: germline.
Comment: This sequence change creates a premature translational stop signal (p.Thr8861Asnfs*13) in the TTN gene. While this is not anticipated to result in nonsense mediated decay, it is expected to create a truncated TTN protein. This variant is not present in population databases (gnomAD no frequency). This variant has not been reported in the literature in individuals affected with TTN-related conditions. ClinVar contains an entry for this variant (Variation ID: 1018442). This variant is located in the I band of TTN (PMID: 25589632). Truncating variants in this region have been reported in individuals affected with autosomal recessive centronuclear myopathy (PMID: 23975875, internal data). Truncating variants in this region have also been identified in individuals affected with autosomal dominant dilated cardiomyopathy and/or cardio-related conditions (PMID: 27869827, 32964742, internal data). In summary, the currently available evidence indicates that the variant is pathogenic, but additional data are needed to prove that conclusively. Therefore, this variant has been classified as Likely Pathogenic.

Literature cited by the submitters: PubMed 25589632; PubMed 23975875; PubMed 27869827; PubMed 32964742.